The following is an entry in ClinVar:

ClinVar aggregate classification (germline): Pathogenic. Review status: criteria provided, multiple submitters, no conflicts (2 of 4 stars). 3 submissions from 3 submitters: Pathogenic (3). Last evaluated 2025-06-30.

Conditions:
Usher syndrome type 1D (USH1D). Also called: USHER SYNDROME, TYPE ID. Identifiers: Orphanet 231169, Orphanet 886, MedGen C1832845, MONDO:0010984, OMIM 601067.
Usher syndrome type 1 (USH1). Also called: RETINITIS PIGMENTOSA AND CONGENITAL DEAFNESS. Identifiers: Orphanet 231169, Orphanet 886, MedGen C1568247, MONDO:0010168, OMIM 276900.

gnomAD v4.1: 1 of 1,611,198 alleles (0.000062%); no homozygotes.

Submissions (3):

Natera, Inc.
Classification: Pathogenic for Usher syndrome type 1. Last evaluated: 2025-06-30. Review status: criteria provided, single submitter. Criteria: Natera Variant Classification Schema (03/2026). Collection method: clinical testing. Allele origin: germline.
Comment: The c.945+1G>A variant in CDH23 is a canonical splice donor site variant predicted to affect pre-mRNA splicing, which may result in an abnormal transcript and altered protein product. This variant is expected to result in nonsense mediated decay, truncation, or a dysfunctional protein product. This variant is rare in the general population with a frequency below the threshold expected for the associated phenotype(s). Another variant at this same site results in an alteration predicted to cause a similar molecular effect has been observed in individual(s) with the associated phenotype. Given the available evidence, this variant is classified as Pathogenic.

Labcorp Genetics (formerly Invitae), Labcorp
Classification: Pathogenic. Last evaluated: 2023-07-10. Review status: criteria provided, single submitter. Criteria: Invitae Variant Classification Sherloc (09022015). Collection method: clinical testing. Allele origin: germline.
Comment: ClinVar contains an entry for this variant (Variation ID: 585305). Disruption of this splice site has been observed in individuals with Usher syndrome (PMID: 30774966; Invitae). This variant is not present in population databases (gnomAD no frequency). This sequence change affects a donor splice site in intron 10 of the CDH23 gene. It is expected to disrupt RNA splicing. Variants that disrupt the donor or acceptor splice site typically lead to a loss of protein function (PMID: 16199547), and loss-of-function variants in CDH23 are known to be pathogenic (PMID: 11138009, 21940737). Algorithms developed to predict the effect of sequence changes on RNA splicing suggest that this variant may disrupt the consensus splice site. For these reasons, this variant has been classified as Pathogenic.

Molecular Diagnostics Laboratory, M Health Fairview: University of Minnesota
Classification: Pathogenic for Usher syndrome type 1D. Last evaluated: 2016-09-12. Review status: criteria provided, single submitter. Criteria: ACMG Guidelines, 2015. Collection method: clinical testing. Allele origin: germline. Affected: yes. Observed: 1 variant allele.

Literature cited by the submitters: PubMed 30774966 (cited by Labcorp Genetics (formerly Invitae), Labcorp); PubMed 16199547 (cited by Labcorp Genetics (formerly Invitae), Labcorp); PubMed 11138009 (cited by Labcorp Genetics (formerly Invitae), Labcorp); PubMed 21940737 (cited by Labcorp Genetics (formerly Invitae), Labcorp).

NM_022124.6(CDH23):c.945+1G>A

Gene: CDH23 (cadherin related 23; plus strand). Cytogenetic location: 10q22.1.
Variant type: single nucleotide variant.
Coding change: c.945+1G>A on transcript NM_022124.6 (MANE Select); the canonical splice donor site of the intron after coding-DNA position 945, G replaced by A.
Molecular consequence: splice donor variant.
Genome position (GRCh38, 1-based): chr10:71,615,617, G>A. VCF-style: chr10-71615617-G-A. GRCh37 (hg19) VCF-style: chr10-73375374-G-A.
Other names: c.945+1G>A (NM_001171930.2, NM_001171931.2, NM_052836.4 and 1 more transcripts).
Identifiers: ClinVar variation 585305 (VCV000585305.14), dbSNP rs727502919, ClinGen allele CA377121557.
Genomic context (GRCh38, chr10:71,615,617, plus strand): 5'-AATGGCCTGCTGGACCGGGAGAACCCCCTGTACAGCCATGGCTTCATCCTGACTGTGAAG[G>A]TGAGACCTGGGTGGGCACCTTCACCCCAGGTAGAGGAGATGCCCCTACTCGGATGCCAAC-3'